The following is an entry in ClinVar:

ClinVar aggregate classification (germline): Uncertain significance (1 of 4 stars; one submission).

Allele frequency attached by ClinVar (database versions not stated): ExAC 0.00001.
gnomAD v4.1: 22 of 1,614,176 alleles (0.0014%); highest among the groups gnomAD compares: Non-Finnish European, 0.0015%; no homozygotes.

Submission:

Labcorp Genetics (formerly Invitae), Labcorp
Classification: Uncertain significance. Last evaluated: 2023-01-19. Review status: criteria provided, single submitter. Criteria: Invitae Variant Classification Sherloc (09022015). Collection method: clinical testing. Allele origin: germline.
Comment: In summary, the available evidence is currently insufficient to determine the role of this variant in disease. Therefore, it has been classified as a Variant of Uncertain Significance. Algorithms developed to predict the effect of missense changes on protein structure and function (SIFT, PolyPhen-2, Align-GVGD) all suggest that this variant is likely to be tolerated. This variant has not been reported in the literature in individuals affected with TET2-related conditions. This variant is present in population databases (rs760404462, gnomAD 0.002%). This sequence change replaces lysine, which is basic and polar, with glutamic acid, which is acidic and polar, at codon 858 of the TET2 protein (p.Lys858Glu).

NM_001127208.3(TET2):c.2572A>G (p.Lys858Glu)

Genes: TET2 (tet methylcytosine dioxygenase 2; plus strand), TET2-AS1 (TET2 antisense RNA 1; minus strand). Cytogenetic location: 4q24.
Variant type: single nucleotide variant.
Coding change: c.2572A>G on transcript NM_001127208.3 (MANE Select); coding-DNA position 2572, A replaced by G.
Protein change: p.Lys858Glu; replaces lysine 858 with glutamic acid.
Molecular consequence: missense variant.
Genome position (GRCh38, 1-based): chr4:105,236,514, A>G. VCF-style: chr4-105236514-A-G. GRCh37 (hg19) VCF-style: chr4-106157671-A-G.
Other names: c.2572A>G, p.Lys858Glu (NM_017628.4); short protein forms K858E.
Identifiers: ClinVar variation 3019863 (VCV003019863.3), dbSNP rs760404462, ClinGen allele CA3031903.